The following is an entry in ClinVar:

NM_022455.5(NSD1):c.1712C>G (p.Ser571Cys)

Gene: NSD1 (nuclear receptor binding SET domain protein 1; plus strand). Cytogenetic location: 5q35.3.
Variant type: single nucleotide variant.
Coding change: c.1712C>G on transcript NM_022455.5 (MANE Select); coding-DNA position 1712, C replaced by G.
Protein change: p.Ser571Cys; replaces serine 571 with cysteine.
Molecular consequence: missense variant.
Genome position (GRCh38, 1-based): chr5:177,210,111, C>G. VCF-style: chr5-177210111-C-G. GRCh37 (hg19) VCF-style: chr5-176637112-C-G.
Other names: c.839C>G, p.Ser280Cys (NM_001365684.2, NM_001409306.1, NM_001409307.1 and 3 more transcripts); c.1712C>G, p.Ser571Cys (NM_001409301.1, NM_001409302.1, NM_001409303.1); c.1292C>G, p.Ser431Cys (NM_001409304.1); c.959C>G, p.Ser320Cys (NM_001409305.1); short protein forms S571C, S280C, S320C, S431C.
Identifiers: ClinVar variation 3635573 (VCV003635573.2).

ClinVar aggregate classification (germline): Uncertain significance (1 of 4 stars; one submission).

Submission:

Labcorp Genetics (formerly Invitae), Labcorp
Classification: Uncertain significance. Last evaluated: 2024-06-12. Review status: criteria provided, single submitter. Criteria: Invitae Variant Classification Sherloc (09022015). Collection method: clinical testing. Allele origin: germline.
Comment: This sequence change replaces serine, which is neutral and polar, with cysteine, which is neutral and slightly polar, at codon 571 of the NSD1 protein (p.Ser571Cys). This variant is not present in population databases (gnomAD no frequency). This variant has not been reported in the literature in individuals affected with NSD1-related conditions. Advanced modeling of protein sequence and biophysical properties (such as structural, functional, and spatial information, amino acid conservation, physicochemical variation, residue mobility, and thermodynamic stability) performed at Invitae indicates that this missense variant is not expected to disrupt NSD1 protein function with a negative predictive value of 95%. In summary, the available evidence is currently insufficient to determine the role of this variant in disease. Therefore, it has been classified as a Variant of Uncertain Significance.